The following is an entry in ClinVar:

ClinVar aggregate classification (germline): Benign/Likely benign. Review status: criteria provided, multiple submitters, no conflicts (2 of 4 stars). 3 submissions from 3 submitters: Benign (1); Likely benign (2). Last evaluated 2024-10-29.

Conditions:
Hereditary cancer-predisposing syndrome. Also called: Tumor predisposition; Neoplastic Syndromes, Hereditary; Hereditary Cancer Syndrome; Hereditary neoplastic syndrome. Identifiers: Orphanet 140162, MedGen C0027672, MeSH D009386, MONDO:0015356.
Prostate cancer, hereditary, 9 (HPC9). Identifiers: Orphanet 1331, MedGen C1970250, MONDO:0012597, OMIM 610997.

Submissions (3):

Myriad Genetics, Inc.
Classification: Benign for Prostate cancer, hereditary, 9. Last evaluated: 2024-10-29. Review status: criteria provided, single submitter. Criteria: Myriad Autosomal Dominant, Autosomal Recessive and X-Linked Classification Criteria (2023). Collection method: clinical testing. Allele origin: unknown.
Comment: This variant is considered benign. This variant is a silent/synonymous amino acid change and it is not expected to impact splicing.

Labcorp Genetics (formerly Invitae), Labcorp
Classification: Likely benign. Last evaluated: 2024-04-13. Review status: criteria provided, single submitter. Criteria: Invitae Variant Classification Sherloc (09022015). Collection method: clinical testing. Allele origin: germline.

Ambry Genetics
Classification: Likely benign for Hereditary cancer-predisposing syndrome. Last evaluated: 2022-03-29. Review status: criteria provided, single submitter. Criteria: Ambry Variant Classification Scheme 2023. Collection method: clinical testing. Allele origin: germline.

NM_006361.6(HOXB13):c.114G>A (p.Ala38=)

Gene: HOXB13 (homeobox B13; minus strand). Cytogenetic location: 17q21.32.
Variant type: single nucleotide variant.
Coding change: c.114G>A on transcript NM_006361.6 (MANE Select); coding-DNA position 114, G replaced by A.
Protein change: p.Ala38=; no amino-acid change (alanine 38 retained).
Molecular consequence: synonymous variant.
Genome position (GRCh38, 1-based): chr17:48,728,480, C>T on the plus strand (G>A on the coding strand, the complement: HOXB13 is on the minus strand). VCF-style: chr17-48728480-C-T. GRCh37 (hg19) VCF-style: chr17-46805842-C-T.
Identifiers: ClinVar variation 1160940 (VCV001160940.12), dbSNP rs1597935079, ClinGen allele CA500502866.